The following is an entry in ClinVar:

ClinVar aggregate classification (germline): Conflicting classifications of pathogenicity. Review status: criteria provided, conflicting classifications (1 of 4 stars). 4 submissions from 4 submitters: Uncertain significance (2); Likely benign (2). Last evaluated 2025-12-19.

Conditions:
PINK1-related disorder. Also called: PINK1-related condition.
Autosomal recessive early-onset Parkinson disease 6 (PARK6). Also called: PARKINSON DISEASE 6, EARLY-ONSET; PINK1-Related Parkinson Disease; PINK1 Type of Young-Onset Parkinson Disease; PARKINSON DISEASE 6, MODIFIER OF. Identifiers: Orphanet 2828, MedGen C1853833, MONDO:0011613, OMIM 605909.

Allele frequency attached by ClinVar (database versions not stated): ESP Exome Variant Server 0.00046; TOPMed 0.00053; gnomAD 0.00056 and 0.00063; 1000 Genomes Project 30x 0.00141; 1000 Genomes Project 0.00180.
gnomAD v4.1: 197 of 1,614,266 alleles (0.012%); highest among the groups gnomAD compares: African/African-American, 0.2%; 3 homozygotes.

Submissions (4):

Labcorp Genetics (formerly Invitae), Labcorp
Classification: Likely benign for Autosomal recessive early-onset Parkinson disease 6. Last evaluated: 2025-12-19. Review status: criteria provided, single submitter. Criteria: Invitae Variant Classification Sherloc (09022015). Collection method: clinical testing. Allele origin: germline.

PreventionGenetics, part of Exact Sciences
Classification: Likely benign for PINK1-related condition. Last evaluated: 2025-06-05. Review status: criteria provided, single submitter. Criteria: ACMG Guidelines, 2015. Collection method: clinical testing. Allele origin: germline.
Comment: This variant is classified as likely benign based on ACMG/AMP sequence variant interpretation guidelines (Richards et al. 2015 PMID: 25741868, with internal and published modifications).

Fulgent Genetics
Classification: Uncertain significance for Autosomal recessive early-onset Parkinson disease 6. Last evaluated: 2021-10-05. Review status: criteria provided, single submitter. Criteria: ACMG Guidelines, 2015. Collection method: clinical testing. Allele origin: unknown.

Athena Diagnostics
Classification: Uncertain significance. Last evaluated: 2017-02-02. Review status: criteria provided, single submitter. Criteria: Athena Diagnostics Criteria. Collection method: clinical testing. Allele origin: germline.

NM_032409.3(PINK1):c.851C>A (p.Ser284Tyr)

Genes: PINK1 (PTEN induced kinase 1; plus strand), PINK1-AS (PINK1 antisense RNA; minus strand). Cytogenetic location: 1p36.12.
Variant type: single nucleotide variant.
Coding change: c.851C>A on transcript NM_032409.3 (MANE Select); coding-DNA position 851, C replaced by A.
Protein change: p.Ser284Tyr; replaces serine 284 with tyrosine.
Molecular consequence: missense variant.
Genome position (GRCh38, 1-based): chr1:20,644,564, C>A. VCF-style: chr1-20644564-C-A. GRCh37 (hg19) VCF-style: chr1-20971057-C-A.
Other names: short protein forms S284Y.
Identifiers: ClinVar variation 447941 (VCV000447941.8), dbSNP rs113092523, ClinGen allele CA660557.
Genomic context (GRCh38, chr1:20,644,564, plus strand): 5'-GTCCCAAGCAACTAGCCCCTCACCCCAACATCATCCGGGTTCTCCGCGCCTTCACCTCTT[C>A]CGTGCCGCTGCTGCCAGGGGCCCTGGTCGACTACCCTGATGTGCTGCCCTCACGCCTCCA-3'
Protein context (NP_115785.1, residues 274-294): IIRVLRAFTS[Ser284Tyr]VPLLPGALVD